The following is an entry in ClinVar:

NM_000479.5(AMH):c.910C>A (p.Pro304Thr)

Gene: AMH (anti-Mullerian hormone; plus strand). Cytogenetic location: 19p13.3.
Variant type: single nucleotide variant.
Coding change: c.910C>A on transcript NM_000479.5 (MANE Select); coding-DNA position 910, C replaced by A.
Protein change: p.Pro304Thr; replaces proline 304 with threonine.
Molecular consequence: missense variant.
Genome position (GRCh38, 1-based): chr19:2,251,184, C>A. VCF-style: chr19-2251184-C-A. GRCh37 (hg19) VCF-style: chr19-2251183-C-A.
Other names: short protein forms P304T.
Identifiers: ClinVar variation 3292773 (VCV003292773.2).

ClinVar aggregate classification (germline): Uncertain significance. Review status: criteria provided, multiple submitters, no conflicts (2 of 4 stars). 2 submissions from 2 submitters: Uncertain significance (2). Last evaluated 2024-12-10.

Conditions:
Differences in sex development.
Inborn genetic diseases. Identifiers: MedGen C0950123, MeSH D030342.

gnomAD v4.1: 25 of 1,510,354 alleles (0.0017%); highest among the groups gnomAD compares: South Asian, 0.023%; no homozygotes.

Submissions (2):

Cambridge Genomics Laboratory, East Genomic Laboratory Hub, NHS Genomic Medicine Service
Classification: Uncertain significance for Differences in sex development. Last evaluated: 2024-12-10. Review status: criteria provided, single submitter. Criteria: ACGS Best Practice Guidelines for Variant Classification in Rare Disease 2020. Collection method: clinical testing. Allele origin: germline. Affected: yes.
Comment: BP4

Ambry Genetics
Classification: Uncertain significance for Inborn genetic diseases. Last evaluated: 2024-05-20. Review status: criteria provided, single submitter. Criteria: Ambry Variant Classification Scheme 2023. Collection method: clinical testing. Allele origin: germline.